The following is an entry in ClinVar:

NM_003242.6(TGFBR2):c.84T>C (p.Val28=)

Gene: TGFBR2 (transforming growth factor beta receptor 2; plus strand). Cytogenetic location: 3p24.1.
Variant type: single nucleotide variant.
Coding change: c.84T>C on transcript NM_003242.6 (MANE Select); coding-DNA position 84, T replaced by C.
Protein change: p.Val28=; no amino-acid change (valine 28 retained).
Molecular consequence: synonymous variant. On other transcripts: 5 prime UTR variant (4), intron variant (2).
Genome position (GRCh38, 1-based): chr3:30,606,967, T>C. VCF-style: chr3-30606967-T-C. GRCh37 (hg19) VCF-style: chr3-30648459-T-C.
Other names: c.84T>C, p.Val28= (NM_001024847.3, NM_001407126.1, NM_001407127.1 and 4 more transcripts); c.-200T>C (NM_001407133.1); c.-78T>C (NM_001407134.1); c.-125T>C (NM_001407135.1); c.-210T>C (NM_001407136.1); c.-12+374T>C (NM_001407129.1, NM_001407132.1); c.84T>C (NM_003242.5).
Identifiers: ClinVar variation 3613036 (VCV003613036.4).

ClinVar aggregate classification (germline): Likely benign. Review status: criteria provided, multiple submitters, no conflicts (2 of 4 stars). 3 submissions from 3 submitters: Likely benign (3). Last evaluated 2026-07-01.

Conditions:
Familial thoracic aortic aneurysm and aortic dissection (TAAD). Also called: Thoracic aortic aneurysms and dissections. Identifiers: Orphanet 91387, MedGen C4707243, MONDO:0019625.

gnomAD v4.1: 2 of 1,598,722 alleles (0.00013%); highest among the groups gnomAD compares: Admixed American, 0.0034%; no homozygotes.

Submissions (3):

CeGaT Center for Human Genetics Tuebingen
Classification: Likely benign. Last evaluated: 2026-07-01. Review status: criteria provided, single submitter. Criteria: CeGaT Center For Human Genetics Tuebingen Variant Classification Criteria Version 2. Collection method: clinical testing. Allele origin: germline. Affected: yes. Observed: 1 variant allele.
Comment: TGFBR2: BP4, BP7

Ambry Genetics
Classification: Likely benign for Familial thoracic aortic aneurysm and aortic dissection. Last evaluated: 2025-01-10. Review status: criteria provided, single submitter. Criteria: Ambry Variant Classification Scheme 2023. Collection method: clinical testing. Allele origin: germline.

Labcorp Genetics (formerly Invitae), Labcorp
Classification: Likely benign for Familial thoracic aortic aneurysm and aortic dissection. Last evaluated: 2024-11-16. Review status: criteria provided, single submitter. Criteria: Invitae Variant Classification Sherloc (09022015). Collection method: clinical testing. Allele origin: germline.